The following is an entry in ClinVar:

NM_001080453.3(INTS1):c.657C>T (p.Asp219=)

Gene: INTS1 (integrator complex subunit 1; minus strand). Cytogenetic location: 7p22.3.
Variant type: single nucleotide variant.
Coding change: c.657C>T on transcript NM_001080453.3 (MANE Select); coding-DNA position 657, C replaced by T.
Protein change: p.Asp219=; no amino-acid change (aspartic acid 219 retained).
Molecular consequence: synonymous variant.
Genome position (GRCh38, 1-based): chr7:1,499,911, G>A on the plus strand (C>T on the coding strand, the complement: INTS1 is on the minus strand). VCF-style: chr7-1499911-G-A. GRCh37 (hg19) VCF-style: chr7-1539547-G-A.
Identifiers: ClinVar variation 3389005 (VCV003389005.14).

ClinVar aggregate classification (germline): Likely benign (1 of 4 stars; one submission).

gnomAD v4.1: 26 of 1,613,250 alleles (0.0016%); highest among the groups gnomAD compares: African/African-American, 0.008%; no homozygotes.

Submission:

CeGaT Center for Human Genetics Tuebingen
Classification: Likely benign. Last evaluated: 2024-10-01. Review status: criteria provided, single submitter. Criteria: CeGaT Center For Human Genetics Tuebingen Variant Classification Criteria Version 2. Collection method: clinical testing. Allele origin: germline. Affected: yes. Observed: 1 variant allele.
Comment: INTS1: BP4, BP7